The following is an entry in ClinVar:

ClinVar aggregate classification (germline): Uncertain significance (1 of 4 stars; one submission).

Conditions:
COG5-congenital disorder of glycosylation. Also called: CDG IIi; COG5-CDG; CONGENITAL DISORDER OF GLYCOSYLATION, TYPE IIi. Identifiers: Orphanet 263487, MedGen C3150876, MONDO:0013325, OMIM 613612.

Allele frequency attached by ClinVar (database versions not stated): gnomAD exomes below 0.00001 and 0.00001; TOPMed below 0.00001; gnomAD 0.00001; ExAC 0.00002.
gnomAD v4.1: 5 of 1,608,804 alleles (0.00031%); highest among the groups gnomAD compares: South Asian, 0.0033%; no homozygotes.

Submission:

Labcorp Genetics (formerly Invitae), Labcorp
Classification: Uncertain significance for COG5-congenital disorder of glycosylation. Last evaluated: 2022-04-13. Review status: criteria provided, single submitter. Criteria: Invitae Variant Classification Sherloc (09022015). Collection method: clinical testing. Allele origin: germline.
Comment: In summary, the available evidence is currently insufficient to determine the role of this variant in disease. Therefore, it has been classified as a Variant of Uncertain Significance. Algorithms developed to predict the effect of missense changes on protein structure and function (SIFT, PolyPhen-2, Align-GVGD) all suggest that this variant is likely to be tolerated. This variant has not been reported in the literature in individuals affected with COG5-related conditions. This variant is present in population databases (rs775375718, gnomAD 0.003%). This sequence change replaces serine, which is neutral and polar, with glycine, which is neutral and non-polar, at codon 564 of the COG5 protein (p.Ser564Gly).

NM_006348.5(COG5):c.1597A>G (p.Ser533Gly)

Genes: COG5 (component of oligomeric golgi complex 5; minus strand), LOC129389837 (MPRA-validated peak6677 silencer; plus strand). Cytogenetic location: 7q22.3.
Variant type: single nucleotide variant.
Coding change: c.1597A>G on transcript NM_006348.5 (MANE Select); coding-DNA position 1597, A replaced by G.
Protein change: p.Ser533Gly; replaces serine 533 with glycine.
Molecular consequence: missense variant. On other transcripts: intron variant (1).
Genome position (GRCh38, 1-based): chr7:107,258,362, T>C on the plus strand (A>G on the coding strand, the complement: COG5 is on the minus strand). VCF-style: chr7-107258362-T-C. GRCh37 (hg19) VCF-style: chr7-106898807-T-C.
Other names: c.1597A>G, p.Ser533Gly (NM_001161520.2, NM_001379513.1, NM_001379514.1 and 1 more transcripts); c.1435A>G, p.Ser479Gly (NM_001379511.1); c.1027A>G, p.Ser343Gly (NM_001379515.1); c.883A>G, p.Ser295Gly (NM_001379516.1); c.1576-9863A>G (NM_001379512.1); short protein forms S295G, S479G, S533G, S343G.
Identifiers: ClinVar variation 1476889 (VCV001476889.8), dbSNP rs775375718, ClinGen allele CA4430851.